The following is an entry in ClinVar:

ClinVar aggregate classification (germline): Likely benign (0 of 4 stars; one submission).

Conditions:
RPS6KA3-related disorder. Also called: RPS6KA3-related condition.

Submission:

PreventionGenetics, part of Exact Sciences
Classification: Likely benign for RPS6KA3-related condition. Last evaluated: 2024-09-25. Review status: no assertion criteria provided. Collection method: clinical testing. Allele origin: germline.
Comment: This variant is classified as likely benign based on ACMG/AMP sequence variant interpretation guidelines (Richards et al. 2015 PMID: 25741868, with internal and published modifications).

NM_004586.3(RPS6KA3):c.717A>G (p.Val239=)

Gene: RPS6KA3 (ribosomal protein S6 kinase A3; minus strand). Cytogenetic location: Xp22.12.
Variant type: single nucleotide variant.
Coding change: c.717A>G on transcript NM_004586.3 (MANE Select); coding-DNA position 717, A replaced by G.
Protein change: p.Val239=; no amino-acid change (valine 239 retained).
Molecular consequence: synonymous variant.
Genome position (GRCh38, 1-based): chrX:20,187,885, T>C on the plus strand (A>G on the coding strand, the complement: RPS6KA3 is on the minus strand). VCF-style: chrX-20187885-T-C. GRCh37 (hg19) VCF-style: chrX-20206003-T-C.
Identifiers: ClinVar variation 3346935 (VCV003346935.1).